The following is an entry in ClinVar:

ClinVar aggregate classification (germline): Uncertain significance (1 of 4 stars; one submission).

Submission:

Labcorp Genetics (formerly Invitae), Labcorp
Classification: Uncertain significance. Last evaluated: 2021-12-25. Review status: criteria provided, single submitter. Criteria: Invitae Variant Classification Sherloc (09022015). Collection method: clinical testing. Allele origin: germline.
Comment: This sequence change replaces valine, which is neutral and non-polar, with leucine, which is neutral and non-polar, at codon 565 of the C3 protein (p.Val565Leu). In summary, the available evidence is currently insufficient to determine the role of this variant in disease. Therefore, it has been classified as a Variant of Uncertain Significance. Experimental studies and prediction algorithms are not available or were not evaluated, and the functional significance of this variant is currently unknown. This variant has not been reported in the literature in individuals affected with C3-related conditions. Information on the frequency of this variant in the gnomAD database is not available, as this variant may be reported differently in the database.

NM_000064.4(C3):c.1692_1693delinsAC (p.Val565Leu)

Gene: C3 (complement C3; minus strand). Cytogenetic location: 19p13.3.
Variant type: Indel.
Coding change: c.1692_1693delinsAC on transcript NM_000064.4 (MANE Select); coding-DNA positions 1692 to 1693, GG replaced by AC.
Protein change: p.Val565Leu; replaces valine 565 with leucine.
Molecular consequence: missense variant.
Genome position (GRCh38, 1-based): chr19:6,709,836-6,709,837, CC replaced by GT on the plus strand (GG replaced by AC on the coding strand, the reverse complement: C3 is on the minus strand). VCF-style: chr19-6709836-CC-GT. GRCh37 (hg19) VCF-style: chr19-6709847-CC-GT.
Other names: short protein forms V565L.
Identifiers: ClinVar variation 1926422 (VCV001926422.5), dbSNP rs2512260777, ClinGen allele CA2580097030.